The following is an entry in ClinVar:

GRCh38/hg38 Xp11.3(chrX:43491959-43931107)x3

Genes: MAOA (monoamine oxidase A; plus strand), MAOB (monoamine oxidase B; minus strand). Cytogenetic location: Xp11.3.
Variant type: copy number gain.
Change: copy number 3 of chrX:43,491,959-43,931,107 (439.1 kb, GRCh38 coordinates, 1-based), cytogenetic band Xp11.3.
Identifiers: ClinVar variation 4796025 (VCV004796025.1).

ClinVar aggregate classification (germline): Uncertain significance (1 of 4 stars; one submission).

Submission:

Medical Genetic Center, Changzhi Maternal and Child Health Care Hospital
Classification: Uncertain significance. Last evaluated: 2025-12-10. Review status: criteria provided, single submitter. Criteria: ACMG/ClinGen CNV Guidelines, 2019. Collection method: clinical testing. Allele origin: unknown.
Comment: Xp11.23 region (includes MAOA and MAOB) (TI=0 but HI=3)